The following is an entry in ClinVar:

ClinVar aggregate classification (germline): Conflicting classifications of pathogenicity. Review status: criteria provided, conflicting classifications (1 of 4 stars). 2 submissions from 2 submitters: Uncertain significance (1); Likely benign (1). Last evaluated 2024-01-29.

Conditions:
Multiple mitochondrial dysfunctions syndrome 3 (MMDS3). Identifiers: Orphanet 363424, MedGen C3809165, MONDO:0014132, OMIM 615330.
Hereditary spastic paraplegia 74. Also called: Spastic paraplegia 74, autosomal recessive. Identifiers: Orphanet 468661, MedGen C5568837, MONDO:0014644, OMIM 616451.

Allele frequency attached by ClinVar (database versions not stated): gnomAD 0.00001; TOPMed 0.00002; gnomAD exomes 0.00003.

Submissions (2):

Blueprint Genetics
Classification: Likely benign. Last evaluated: 2024-01-29. Review status: criteria provided, single submitter. Criteria: ACMG Guidelines, 2015. Collection method: clinical testing. Allele origin: germline.

Labcorp Genetics (formerly Invitae), Labcorp
Classification: Uncertain significance for Multiple mitochondrial dysfunctions syndrome 3; Hereditary spastic paraplegia 74. Last evaluated: 2022-08-21. Review status: criteria provided, single submitter. Criteria: Invitae Variant Classification Sherloc (09022015). Collection method: clinical testing. Allele origin: germline.
Comment: This sequence change replaces threonine, which is neutral and polar, with alanine, which is neutral and non-polar, at codon 57 of the IBA57 protein (p.Thr57Ala). This variant is present in population databases (rs756911621, gnomAD 0.005%). This variant has not been reported in the literature in individuals affected with IBA57-related conditions. Algorithms developed to predict the effect of missense changes on protein structure and function output the following: SIFT: "Tolerated"; PolyPhen-2: "Benign"; Align-GVGD: "Class C0". The alanine amino acid residue is found in multiple mammalian species, which suggests that this missense change does not adversely affect protein function. In summary, the available evidence is currently insufficient to determine the role of this variant in disease. Therefore, it has been classified as a Variant of Uncertain Significance.

NM_001010867.4(IBA57):c.169A>G (p.Thr57Ala)

Gene: IBA57 (iron-sulfur cluster assembly factor IBA57; plus strand). Cytogenetic location: 1q42.13.
Variant type: single nucleotide variant.
Coding change: c.169A>G on transcript NM_001010867.4 (MANE Select); coding-DNA position 169, A replaced by G.
Protein change: p.Thr57Ala; replaces threonine 57 with alanine.
Molecular consequence: missense variant.
Genome position (GRCh38, 1-based): chr1:228,165,985, A>G. VCF-style: chr1-228165985-A-G. GRCh37 (hg19) VCF-style: chr1-228353686-A-G.
Other names: short protein forms T57A.
Identifiers: ClinVar variation 2051656 (VCV002051656.2), dbSNP rs756911621, ClinGen allele CA1431074.